The following is an entry in ClinVar:

NM_001374385.1(ATP8B1):c.3298G>C (p.Ala1100Pro)

Genes: ATP8B1 (ATPase phospholipid transporting 8B1; minus strand), ATP8B1-AS1 (ATP8B1 antisense RNA 1; plus strand). Cytogenetic location: 18q21.31.
Variant type: single nucleotide variant.
Coding change: c.3298G>C on transcript NM_001374385.1 (MANE Select); coding-DNA position 3298, G replaced by C.
Protein change: p.Ala1100Pro; replaces alanine 1100 with proline.
Molecular consequence: missense variant.
Genome position (GRCh38, 1-based): chr18:57,652,136, C>G on the plus strand (G>C on the coding strand, the complement: ATP8B1 is on the minus strand). VCF-style: chr18-57652136-C-G. GRCh37 (hg19) VCF-style: chr18-55319368-C-G.
Other names: c.3148G>C, p.Ala1050Pro (NM_001374386.1); c.3298G>C, p.Ala1100Pro (NM_005603.6); short protein forms A1100P, A1050P.
Identifiers: ClinVar variation 2019365 (VCV002019365.4), dbSNP rs2511617018, ClinGen allele CA402542872.

ClinVar aggregate classification (germline): Uncertain significance (1 of 4 stars; one submission).

Submission:

Labcorp Genetics (formerly Invitae), Labcorp
Classification: Uncertain significance. Last evaluated: 2022-09-05. Review status: criteria provided, single submitter. Criteria: Invitae Variant Classification Sherloc (09022015). Collection method: clinical testing. Allele origin: germline.
Comment: In summary, the available evidence is currently insufficient to determine the role of this variant in disease. Therefore, it has been classified as a Variant of Uncertain Significance. Algorithms developed to predict the effect of missense changes on protein structure and function are either unavailable or do not agree on the potential impact of this missense change (SIFT: "Deleterious"; PolyPhen-2: "Benign"; Align-GVGD: "Class C0"). This variant has not been reported in the literature in individuals affected with ATP8B1-related conditions. This variant is not present in population databases (gnomAD no frequency). This sequence change replaces alanine, which is neutral and non-polar, with proline, which is neutral and non-polar, at codon 1100 of the ATP8B1 protein (p.Ala1100Pro).